The following is an entry in ClinVar:

ClinVar aggregate classification (germline): Uncertain significance. Review status: criteria provided, multiple submitters, no conflicts (2 of 4 stars). 2 submissions from 2 submitters: Uncertain significance (2). Last evaluated 2025-03-02.

Conditions:
Hereditary cancer-predisposing syndrome. Also called: Hereditary neoplastic syndrome; Tumor predisposition; Neoplastic Syndromes, Hereditary; Hereditary Cancer Syndrome. Identifiers: Orphanet 140162, MedGen C0027672, MeSH D009386, MONDO:0015356.
Familial cancer of breast. Also called: hereditary breast carcinoma; Hereditary breast cancer; BREAST CANCER, FAMILIAL. Identifiers: Orphanet 227535, MedGen C0346153, MONDO:0016419, OMIM 114480. Disease mechanism: loss of function.

Submissions (2):

Ambry Genetics
Classification: Uncertain significance for Hereditary cancer-predisposing syndrome. Last evaluated: 2025-03-02. Review status: criteria provided, single submitter. Criteria: Ambry Variant Classification Scheme 2023. Collection method: clinical testing. Allele origin: germline.
Comment: The p.L202V variant (also known as c.604C>G), located in coding exon 4 of the PALB2 gene, results from a C to G substitution at nucleotide position 604. The leucine at codon 202 is replaced by valine, an amino acid with highly similar properties. This amino acid position is conserved. In addition, this alteration is predicted to be tolerated by in silico analysis. Since supporting evidence is limited at this time, the clinical significance of this alteration remains unclear.

Labcorp Genetics (formerly Invitae), Labcorp
Classification: Uncertain significance for Familial cancer of breast. Last evaluated: 2023-01-23. Review status: criteria provided, single submitter. Criteria: Invitae Variant Classification Sherloc (09022015). Collection method: clinical testing. Allele origin: germline.
Comment: ClinVar contains an entry for this variant (Variation ID: 955761). Algorithms developed to predict the effect of missense changes on protein structure and function (SIFT, PolyPhen-2, Align-GVGD) all suggest that this variant is likely to be tolerated. In summary, the available evidence is currently insufficient to determine the role of this variant in disease. Therefore, it has been classified as a Variant of Uncertain Significance. This variant has not been reported in the literature in individuals affected with PALB2-related conditions. This sequence change replaces leucine, which is neutral and non-polar, with valine, which is neutral and non-polar, at codon 202 of the PALB2 protein (p.Leu202Val). This variant is not present in population databases (gnomAD no frequency).

NM_024675.4(PALB2):c.604C>G (p.Leu202Val)

Gene: PALB2 (partner and localizer of BRCA2; minus strand). Cytogenetic location: 16p12.2.
Variant type: single nucleotide variant.
Coding change: c.604C>G on transcript NM_024675.4 (MANE Select); coding-DNA position 604, C replaced by G.
Protein change: p.Leu202Val; replaces leucine 202 with valine.
Molecular consequence: missense variant.
Genome position (GRCh38, 1-based): chr16:23,635,942, G>C on the plus strand (C>G on the coding strand, the complement: PALB2 is on the minus strand). VCF-style: chr16-23635942-G-C. GRCh37 (hg19) VCF-style: chr16-23647263-G-C.
Other names: short protein forms L202V.
Identifiers: ClinVar variation 955761 (VCV000955761.14), dbSNP rs1597098794, ClinGen allele CA395136673.